The following is an entry in ClinVar:

NM_022464.5(SIL1):c.1099G>A (p.Val367Ile)

Gene: SIL1 (SIL1 nucleotide exchange factor; minus strand). Cytogenetic location: 5q31.2.
Variant type: single nucleotide variant.
Coding change: c.1099G>A on transcript NM_022464.5 (MANE Select); coding-DNA position 1099, G replaced by A.
Protein change: p.Val367Ile; replaces valine 367 with isoleucine.
Molecular consequence: missense variant.
Genome position (GRCh38, 1-based): chr5:138,947,404, C>T on the plus strand (G>A on the coding strand, the complement: SIL1 is on the minus strand). VCF-style: chr5-138947404-C-T. GRCh37 (hg19) VCF-style: chr5-138283093-C-T.
Other names: c.1099G>A (NM_022464.4); c.1099G>A, p.Val367Ile (NM_001037633.2); short protein forms V367I.
Identifiers: ClinVar variation 1475664 (VCV001475664.12), dbSNP rs372908895, ClinGen allele CA3432368.

ClinVar aggregate classification (germline): Conflicting classifications of pathogenicity. Review status: criteria provided, conflicting classifications (1 of 4 stars). 4 submissions from 4 submitters: Uncertain significance (3); Likely benign (1). Last evaluated 2025-11-05.

Conditions:
Inborn genetic diseases. Identifiers: MedGen C0950123, MeSH D030342.
Marinesco-Sjögren syndrome (MSS). Also called: Marinesco-SjÃ¶gren syndrome; Marinesco-Sjogren Syndrome. Identifiers: Orphanet 559, MedGen C0024814, MONDO:0009567, OMIM 248800.

Allele frequency attached by ClinVar (database versions not stated): gnomAD exomes 0.00002; ExAC 0.00003; TOPMed 0.00010; ESP Exome Variant Server 0.00015; gnomAD 0.00015.
gnomAD v4.1: 45 of 1,613,512 alleles (0.0028%); highest among the groups gnomAD compares: African/African-American, 0.06%; no homozygotes.

Submissions (4):

Ambry Genetics
Classification: Uncertain significance for Inborn genetic diseases. Last evaluated: 2025-11-05. Review status: criteria provided, single submitter. Criteria: Ambry Variant Classification Scheme 2023. Collection method: clinical testing. Allele origin: germline.

GeneDx
Classification: Uncertain significance. Last evaluated: 2025-06-21. Review status: criteria provided, single submitter. Criteria: GeneDx Variant Classification Process June 2021. Collection method: clinical testing. Allele origin: germline. Affected: yes.
Comment: In silico analysis suggests that this missense variant does not alter protein structure/function; Has not been previously published as pathogenic or benign to our knowledge

Revvity Omics, Revvity
Classification: Likely benign for Marinesco-Sjögren syndrome. Last evaluated: 2024-03-25. Review status: criteria provided, single submitter. Criteria: ACMG Guidelines, 2015. Collection method: clinical testing. Allele origin: germline.

Labcorp Genetics (formerly Invitae), Labcorp
Classification: Uncertain significance for Marinesco-Sjögren syndrome. Last evaluated: 2023-12-07. Review status: criteria provided, single submitter. Criteria: Invitae Variant Classification Sherloc (09022015). Collection method: clinical testing. Allele origin: germline.
Comment: This sequence change replaces valine, which is neutral and non-polar, with isoleucine, which is neutral and non-polar, at codon 367 of the SIL1 protein (p.Val367Ile). This variant is present in population databases (rs372908895, gnomAD 0.06%). This variant has not been reported in the literature in individuals affected with SIL1-related conditions. ClinVar contains an entry for this variant (Variation ID: 1475664). Advanced modeling of protein sequence and biophysical properties (such as structural, functional, and spatial information, amino acid conservation, physicochemical variation, residue mobility, and thermodynamic stability) performed at Invitae indicates that this missense variant is not expected to disrupt SIL1 protein function with a negative predictive value of 80%. In summary, the available evidence is currently insufficient to determine the role of this variant in disease. Therefore, it has been classified as a Variant of Uncertain Significance.